The following is an entry in ClinVar:

NM_001197104.2(KMT2A):c.4538A>G (p.Asn1513Ser)

Gene: KMT2A (lysine methyltransferase 2A; plus strand). Cytogenetic location: 11q23.3.
Variant type: single nucleotide variant.
Coding change: c.4538A>G on transcript NM_001197104.2 (MANE Select); coding-DNA position 4538, A replaced by G.
Protein change: p.Asn1513Ser; replaces asparagine 1513 with serine.
Molecular consequence: missense variant.
Genome position (GRCh38, 1-based): chr11:118,489,850, A>G. VCF-style: chr11-118489850-A-G. GRCh37 (hg19) VCF-style: chr11-118360565-A-G.
Other names: c.4637A>G, p.Asn1546Ser (NM_001412597.1); c.4538A>G, p.Asn1513Ser (NM_005933.4); short protein forms N1546S, N1513S.
Identifiers: ClinVar variation 2804359 (VCV002804359.3), dbSNP rs781816491, ClinGen allele CA6303893.

ClinVar aggregate classification (germline): Uncertain significance (1 of 4 stars; one submission).

Allele frequency attached by ClinVar (database versions not stated): ExAC 0.00001; gnomAD 0.00001; gnomAD exomes 0.00001; TOPMed 0.00001.
gnomAD v4.1: 7 of 1,614,020 alleles (0.00043%); no homozygotes.

Submission:

Labcorp Genetics (formerly Invitae), Labcorp
Classification: Uncertain significance. Last evaluated: 2023-11-13. Review status: criteria provided, single submitter. Criteria: Invitae Variant Classification Sherloc (09022015). Collection method: clinical testing. Allele origin: germline.
Comment: This sequence change replaces asparagine, which is neutral and polar, with serine, which is neutral and polar, at codon 1513 of the KMT2A protein (p.Asn1513Ser). This variant is present in population databases (rs781816491, gnomAD 0.02%). This variant has not been reported in the literature in individuals affected with KMT2A-related conditions. Advanced modeling of protein sequence and biophysical properties (such as structural, functional, and spatial information, amino acid conservation, physicochemical variation, residue mobility, and thermodynamic stability) performed at Invitae indicates that this missense variant is not expected to disrupt KMT2A protein function with a negative predictive value of 95%. In summary, the available evidence is currently insufficient to determine the role of this variant in disease. Therefore, it has been classified as a Variant of Uncertain Significance.